The following is an entry in ClinVar:

ClinVar aggregate classification (germline): Likely pathogenic (1 of 4 stars; one submission).

Submission:

GeneDx
Classification: Likely pathogenic. Last evaluated: 2023-07-02. Review status: criteria provided, single submitter. Criteria: GeneDx Variant Classification Process June 2021. Collection method: clinical testing. Allele origin: germline. Affected: yes.
Comment: Frameshift variant predicted to result in protein truncation or nonsense mediated decay in a gene for which loss-of-function is a known mechanism of disease; Not observed at significant frequency in large population cohorts (gnomAD); Has not been previously published as pathogenic or benign to our knowledge

NM_006031.6(PCNT):c.3264del (p.Glu1089fs)

Gene: PCNT (pericentrin; plus strand). Cytogenetic location: 21q22.3.
Variant type: Deletion.
Coding change: c.3264del on transcript NM_006031.6 (MANE Select); coding-DNA position 3264, one base deleted (A; older notation c.3264delA).
Protein change: p.Glu1089fs; shifts the reading frame from glutamic acid 1089.
Molecular consequence: frameshift variant.
Genome position (GRCh38, 1-based): chr21:46,381,792, A deleted; the last of 3 consecutive A bases (chr21:46,381,790-46,381,792); deleting any one gives the same sequence. VCF-style (leftmost placement, unchanged base first): chr21-46381789-GA-G. GRCh37 (hg19) VCF-style: chr21-47801704-GA-G.
Other names: c.2910del, p.Glu971fs (NM_001315529.2); short protein forms E1089fs, E971fs.
Identifiers: ClinVar variation 2507222 (VCV002507222.1), dbSNP rs2085551925, ClinGen allele CA2392648496.